The following is an entry in ClinVar:

NM_001447.3(FAT2):c.9193+3G>A

Genes: FAT2 (FAT atypical cadherin 2; minus strand), SLC36A1 (solute carrier family 36 member 1; plus strand). Cytogenetic location: 5q33.1.
Variant type: single nucleotide variant.
Coding change: c.9193+3G>A on transcript NM_001447.3 (MANE Select); 3 bases into the intron after coding-DNA position 9193, G replaced by A.
Molecular consequence: intron variant.
Genome position (GRCh38, 1-based): chr5:151,537,790, C>T on the plus strand (G>A on the coding strand, the complement: FAT2 is on the minus strand). VCF-style: chr5-151537790-C-T. GRCh37 (hg19) VCF-style: chr5-150917351-C-T.
Identifiers: ClinVar variation 4751622 (VCV004751622.1).
Genomic context (GRCh38, chr5:151,537,790, plus strand): 5'-CACTGGGCACTTGGTATTCAGTAAAGAAGTTCTTGTTTTGATCCTGCAGCTCAGGAAACC[C>T]ACCTGTATGAGGATCCAGCTTGAATTCATGCGCCCCAGGGCCATGCAGAGAATATGTGAT-3'

ClinVar aggregate classification (germline): Uncertain significance (1 of 4 stars; one submission).

gnomAD v4.1: 4 of 1,606,952 alleles (0.00025%); highest among the groups gnomAD compares: South Asian, 0.0011%; no homozygotes.

Submission:

Labcorp Genetics (formerly Invitae), Labcorp
Classification: Uncertain significance. Last evaluated: 2025-06-15. Review status: criteria provided, single submitter. Criteria: Invitae Variant Classification Sherloc (09022015). Collection method: clinical testing. Allele origin: germline.
Comment: This sequence change falls in intron 11 of the FAT2 gene. It does not directly change the encoded amino acid sequence of the FAT2 protein. It affects a nucleotide within the consensus splice site. This variant is present in population databases (rs750651172, gnomAD 0.003%). This variant has not been reported in the literature in individuals affected with FAT2-related conditions. Variants that disrupt the consensus splice site are a relatively common cause of aberrant splicing (PMID: 17576681, 9536098). Algorithms developed to predict the effect of sequence changes on RNA splicing suggest that this variant is not likely to affect RNA splicing. In summary, the available evidence is currently insufficient to determine the role of this variant in disease. Therefore, it has been classified as a Variant of Uncertain Significance.

Literature cited by the submitters: PubMed 17576681; PubMed 9536098.